The following is an entry in ClinVar:

NM_001082486.2(ACD):c.547G>A (p.Gly183Arg)

Gene: ACD (ACD shelterin complex subunit and telomerase recruitment factor; minus strand). Cytogenetic location: 16q22.1.
Variant type: single nucleotide variant.
Coding change: c.547G>A on transcript NM_001082486.2 (MANE Select); coding-DNA position 547, G replaced by A.
Protein change: p.Gly183Arg; replaces glycine 183 with arginine.
Molecular consequence: missense variant.
Genome position (GRCh38, 1-based): chr16:67,659,026, C>T on the plus strand (G>A on the coding strand, the complement: ACD is on the minus strand). VCF-style: chr16-67659026-C-T. GRCh37 (hg19) VCF-style: chr16-67692929-C-T.
Other names: c.538G>A, p.Gly180Arg (NM_022914.3); short protein forms G180R, G183R.
Identifiers: ClinVar variation 1520114 (VCV001520114.6), dbSNP rs2142971458, ClinGen allele CA396354231.

ClinVar aggregate classification (germline): Uncertain significance (1 of 4 stars; one submission).

Conditions:
Dyskeratosis congenita, autosomal dominant 6 (DKCA6). Identifiers: Orphanet 3322, MedGen C4225284, MONDO:0014690, OMIM 616553.

Submission:

Labcorp Genetics (formerly Invitae), Labcorp
Classification: Uncertain significance for Dyskeratosis congenita, autosomal dominant 6. Last evaluated: 2023-07-07. Review status: criteria provided, single submitter. Criteria: Invitae Variant Classification Sherloc (09022015). Collection method: clinical testing. Allele origin: germline.
Comment: This variant is not present in population databases (gnomAD no frequency). In summary, the available evidence is currently insufficient to determine the role of this variant in disease. Therefore, it has been classified as a Variant of Uncertain Significance. Advanced modeling of protein sequence and biophysical properties (such as structural, functional, and spatial information, amino acid conservation, physicochemical variation, residue mobility, and thermodynamic stability) performed at Invitae indicates that this missense variant is not expected to disrupt ACD protein function. ClinVar contains an entry for this variant (Variation ID: 1520114). This variant has not been reported in the literature in individuals affected with ACD-related conditions. This sequence change replaces glycine, which is neutral and non-polar, with arginine, which is basic and polar, at codon 269 of the ACD protein (p.Gly269Arg).